The following is an entry in ClinVar:

ClinVar aggregate classification (germline): Uncertain significance (1 of 4 stars; one submission).

Submission:

Ambry Genetics
Classification: Uncertain significance. Last evaluated: 2026-07-25. Review status: criteria provided, single submitter. Criteria: Ambry Variant Classification Scheme 2023. Collection method: clinical testing. Allele origin: germline.
Comment: The p.S775R variant (also known as c.2325T>G), located in coding exon 1 of the MLH3 gene, results from a T to G substitution at nucleotide position 2325. The serine at codon 775 is replaced by arginine, an amino acid with dissimilar properties. This amino acid position is conserved. In addition, this alteration is predicted to be tolerated by in silico analysis. Based on the available evidence, the clinical significance of this variant remains unclear.

NM_001040108.2(MLH3):c.2325T>G (p.Ser775Arg)

Gene: MLH3 (mutL homolog 3; minus strand). Cytogenetic location: 14q24.3.
Variant type: single nucleotide variant.
Coding change: c.2325T>G on transcript NM_001040108.2 (MANE Select); coding-DNA position 2325, T replaced by G.
Protein change: p.Ser775Arg; replaces serine 775 with arginine.
Molecular consequence: missense variant.
Genome position (GRCh38, 1-based): chr14:75,047,331, A>C on the plus strand (T>G on the coding strand, the complement: MLH3 is on the minus strand). VCF-style: chr14-75047331-A-C. GRCh37 (hg19) VCF-style: chr14-75514034-A-C.
Other names: c.2325T>G, p.Ser775Arg (NM_014381.3); short protein forms S775R.
Identifiers: ClinVar variation 5024604 (VCV005024604.1).